The following is an entry in ClinVar:

ClinVar aggregate classification (germline): Pathogenic. Review status: criteria provided, multiple submitters, no conflicts (2 of 4 stars). 2 submissions from 2 submitters: Pathogenic (2). Last evaluated 2024-12-19.

Conditions:
Mowat-Wilson syndrome (MOWS). Also called: Classic Mowat-Wilson Syndrome. Identifiers: Orphanet 2152, MedGen C1856113, MONDO:0009341, OMIM 235730.

Submissions (2):

Genomic Medicine Center of Excellence, King Faisal Specialist Hospital and Research Centre
Classification: Pathogenic for Mowat-Wilson syndrome. Last evaluated: 2024-12-19. Review status: criteria provided, single submitter. Criteria: ACMG Guidelines, 2015. Collection method: clinical testing. Allele origin: germline.

Labcorp Genetics (formerly Invitae), Labcorp
Classification: Pathogenic for Mowat-Wilson syndrome. Last evaluated: 2022-07-28. Review status: criteria provided, single submitter. Criteria: Invitae Variant Classification Sherloc (09022015). Collection method: clinical testing. Allele origin: germline.
Comment: This sequence change creates a premature translational stop signal (p.Ser637*) in the ZEB2 gene. It is expected to result in an absent or disrupted protein product. Loss-of-function variants in ZEB2 are known to be pathogenic (PMID: 16053902). This variant is not present in population databases (gnomAD no frequency). This premature translational stop signal has been observed in individual(s) with Mowat-Wilson syndrome (PMID: 27831545). For these reasons, this variant has been classified as Pathogenic.

Literature cited by the submitters: PubMed 16053902 (cited by Labcorp Genetics (formerly Invitae), Labcorp); PubMed 27831545 (cited by Labcorp Genetics (formerly Invitae), Labcorp).

NM_014795.4(ZEB2):c.1910C>A (p.Ser637Ter)

Gene: ZEB2 (zinc finger E-box binding homeobox 2; minus strand). Cytogenetic location: 2q22.3.
Variant type: single nucleotide variant.
Coding change: c.1910C>A on transcript NM_014795.4 (MANE Select); coding-DNA position 1910, C replaced by A.
Protein change: p.Ser637Ter; replaces serine 637 with a stop codon.
Molecular consequence: nonsense.
Genome position (GRCh38, 1-based): chr2:144,399,277, G>T on the plus strand (C>A on the coding strand, the complement: ZEB2 is on the minus strand). VCF-style: chr2-144399277-G-T. GRCh37 (hg19) VCF-style: chr2-145156844-G-T.
Other names: c.1838C>A, p.Ser613Ter (NM_001171653.2); short protein forms S637*, S613*.
Identifiers: ClinVar variation 2018702 (VCV002018702.5), dbSNP rs1015026440, ClinGen allele CA348709751.